The following is an entry in ClinVar:

NM_001042492.3(NF1):c.6560T>A (p.Phe2187Tyr)

Gene: NF1 (neurofibromin 1; plus strand). Cytogenetic location: 17q11.2.
Variant type: single nucleotide variant.
Coding change: c.6560T>A on transcript NM_001042492.3 (MANE Select); coding-DNA position 6560, T replaced by A.
Protein change: p.Phe2187Tyr; replaces phenylalanine 2187 with tyrosine.
Molecular consequence: missense variant.
Genome position (GRCh38, 1-based): chr17:31,337,500, T>A. VCF-style: chr17-31337500-T-A. GRCh37 (hg19) VCF-style: chr17-29664518-T-A.
Other names: c.6497T>A, p.Phe2166Tyr (NM_000267.4); short protein forms F2187Y, F2166Y.
Identifiers: ClinVar variation 3404867 (VCV003404867.1).

ClinVar aggregate classification (germline): Uncertain significance (1 of 4 stars; one submission).

Conditions:
Hereditary cancer-predisposing syndrome. Also called: Hereditary Cancer Syndrome; Tumor predisposition; Hereditary neoplastic syndrome; Neoplastic Syndromes, Hereditary. Identifiers: Orphanet 140162, MedGen C0027672, MeSH D009386, MONDO:0015356.
Cardiovascular phenotype. Identifiers: MedGen CN230736.

Submission:

Ambry Genetics
Classification: Uncertain significance for Cardiovascular phenotype; Hereditary cancer-predisposing syndrome. Last evaluated: 2024-10-25. Review status: criteria provided, single submitter. Criteria: Ambry Variant Classification Scheme 2023. Collection method: clinical testing. Allele origin: germline.
Comment: The p.F2166Y variant (also known as c.6497T>A), located in coding exon 42 of the NF1 gene, results from a T to A substitution at nucleotide position 6497. The phenylalanine at codon 2166 is replaced by tyrosine, an amino acid with highly similar properties. This amino acid position is conserved. In addition, this alteration is predicted to be tolerated by in silico analysis. Based on the available evidence, the clinical significance of this variant remains unclear.